The following is an entry in ClinVar:

ClinVar aggregate classification (germline): Uncertain significance (1 of 4 stars; one submission).

Conditions:
Hereditary diffuse gastric adenocarcinoma (HDGC). Also called: DIFFUSE GASTRIC AND LOBULAR BREAST CANCER SYNDROME. Identifiers: Orphanet 26106, MedGen C1708349, MONDO:0007648, OMIM 137215.

Submission:

Labcorp Genetics (formerly Invitae), Labcorp
Classification: Uncertain significance for Hereditary diffuse gastric adenocarcinoma. Last evaluated: 2024-02-26. Review status: criteria provided, single submitter. Criteria: Invitae Variant Classification Sherloc (09022015). Collection method: clinical testing. Allele origin: germline.
Comment: This sequence change replaces asparagine, which is neutral and polar, with lysine, which is basic and polar, at codon 674 of the CDH1 protein (p.Asn674Lys). This variant is not present in population databases (gnomAD no frequency). This variant has not been reported in the literature in individuals affected with CDH1-related conditions. Algorithms developed to predict the effect of missense changes on protein structure and function output the following: SIFT: "Not Available"; PolyPhen-2: "Benign"; Align-GVGD: "Not Available". The lysine amino acid residue is found in multiple mammalian species, which suggests that this missense change does not adversely affect protein function. In summary, the available evidence is currently insufficient to determine the role of this variant in disease. Therefore, it has been classified as a Variant of Uncertain Significance.

NM_004360.5(CDH1):c.2022T>A (p.Asn674Lys)

Gene: CDH1 (cadherin 1; plus strand). Cytogenetic location: 16q22.1.
Variant type: single nucleotide variant.
Coding change: c.2022T>A on transcript NM_004360.5 (MANE Select); coding-DNA position 2022, T replaced by A.
Protein change: p.Asn674Lys; replaces asparagine 674 with lysine.
Molecular consequence: missense variant.
Genome position (GRCh38, 1-based): chr16:68,823,484, T>A. VCF-style: chr16-68823484-T-A. GRCh37 (hg19) VCF-style: chr16-68857387-T-A.
Other names: c.1839T>A, p.Asn613Lys (NM_001317184.2); c.474T>A, p.Asn158Lys (NM_001317185.2); c.57T>A, p.Asn19Lys (NM_001317186.2); short protein forms N158K, N674K, N19K, N613K.
Identifiers: ClinVar variation 3714307 (VCV003714307.2).